The following is an entry in ClinVar:

NM_004082.5(DCTN1):c.3518G>A (p.Arg1173His)

Gene: DCTN1 (dynactin subunit 1; minus strand). Cytogenetic location: 2p13.1.
Variant type: single nucleotide variant.
Coding change: c.3518G>A on transcript NM_004082.5 (MANE Select); coding-DNA position 3518, G replaced by A.
Protein change: p.Arg1173His; replaces arginine 1173 with histidine.
Molecular consequence: missense variant. On other transcripts: non-coding transcript variant (1).
Genome position (GRCh38, 1-based): chr2:74,363,005, C>T on the plus strand (G>A on the coding strand, the complement: DCTN1 is on the minus strand). VCF-style: chr2-74363005-C-T. GRCh37 (hg19) VCF-style: chr2-74590132-C-T.
Other names: c.3449G>A, p.Arg1150His (NM_001378992.1); c.3116G>A, p.Arg1039His (NM_023019.4); c.3443G>A, p.Arg1148His (NM_001135040.3); c.3101G>A, p.Arg1034His (NM_001135041.3); c.3392G>A, p.Arg1131His (NM_001190836.2); c.3497G>A, p.Arg1166His (NM_001190837.2); c.3467G>A, p.Arg1156His (NM_001378991.1); short protein forms R1034H, R1039H, R1131H, R1148H, R1150H, R1156H, R1166H, R1173H.
Identifiers: ClinVar variation 1042180 (VCV001042180.12), dbSNP rs980920477, ClinGen allele CA50474230.

ClinVar aggregate classification (germline): Uncertain significance. Review status: criteria provided, multiple submitters, no conflicts (2 of 4 stars). 2 submissions from 2 submitters: Uncertain significance (2). Last evaluated 2025-08-04.

Conditions:
Inborn genetic diseases. Identifiers: MedGen C0950123, MeSH D030342.
Perry syndrome. Also called: PARKINSONISM WITH ALVEOLAR HYPOVENTILATION AND MENTAL DEPRESSION. Identifiers: Orphanet 178509, MedGen C1868594, MONDO:0008201, OMIM 168605.
Amyotrophic lateral sclerosis type 1 (ALS1). Also called: AMYOTROPHIC LATERAL SCLEROSIS 1, FAMILIAL. Identifiers: Orphanet 803, MedGen C1862939, MONDO:0007103, OMIM 105400.
Neuronopathy, distal hereditary motor, type 7B. Also called: NEURONOPATHY, DISTAL HEREDITARY MOTOR, AUTOSOMAL DOMINANT 14; NEURONOPATHY, DISTAL HEREDITARY MOTOR, HARDING TYPE VIIB; NEUROPATHY, DISTAL HEREDITARY MOTOR, HARDING TYPE VIIB; NEUROPATHY, DISTAL HEREDITARY MOTOR, WITH VOCAL CORD PARALYSIS, HARDING TYPE VIIB; HMN VIIB; LOWER MOTOR NEURON DISEASE, DYNACTIN TYPE. Identifiers: Orphanet 139589, MedGen C1843315, MONDO:0011879, OMIM 607641.

Allele frequency attached by ClinVar (database versions not stated): gnomAD exomes 0.00001; TOPMed 0.00003; gnomAD 0.00004.
gnomAD v4.1: 26 of 1,612,600 alleles (0.0016%); highest among the groups gnomAD compares: African/African-American, 0.015%; no homozygotes.

Submissions (2):

Ambry Genetics
Classification: Uncertain significance for Inborn genetic diseases. Last evaluated: 2025-08-04. Review status: criteria provided, single submitter. Criteria: Ambry Variant Classification Scheme 2023. Collection method: clinical testing. Allele origin: germline.

Labcorp Genetics (formerly Invitae), Labcorp
Classification: Uncertain significance for Amyotrophic lateral sclerosis type 1; Neuronopathy, distal hereditary motor, type 7B; Perry syndrome. Last evaluated: 2024-10-02. Review status: criteria provided, single submitter. Criteria: Invitae Variant Classification Sherloc (09022015). Collection method: clinical testing. Allele origin: germline.
Comment: This sequence change replaces arginine, which is basic and polar, with histidine, which is basic and polar, at codon 1173 of the DCTN1 protein (p.Arg1173His). This variant is present in population databases (no rsID available, gnomAD 0.01%). This variant has not been reported in the literature in individuals affected with DCTN1-related conditions. ClinVar contains an entry for this variant (Variation ID: 1042180). Invitae Evidence Modeling of protein sequence and biophysical properties (such as structural, functional, and spatial information, amino acid conservation, physicochemical variation, residue mobility, and thermodynamic stability) indicates that this missense variant is not expected to disrupt DCTN1 protein function with a negative predictive value of 80%. In summary, the available evidence is currently insufficient to determine the role of this variant in disease. Therefore, it has been classified as a Variant of Uncertain Significance.